The following is an entry in ClinVar:

ClinVar aggregate classification (germline): Uncertain significance (1 of 4 stars; one submission).

Conditions:
Hereditary cancer-predisposing syndrome. Also called: Hereditary Cancer Syndrome; Hereditary neoplastic syndrome; Tumor predisposition; Neoplastic Syndromes, Hereditary. Identifiers: Orphanet 140162, MedGen C0027672, MeSH D009386, MONDO:0015356.

gnomAD v4.1: 1 of 1,614,174 alleles (0.000062%); highest among the groups gnomAD compares: East Asian, 0.0022%; no homozygotes.

Submission:

Ambry Genetics
Classification: Uncertain significance for Hereditary cancer-predisposing syndrome. Last evaluated: 2024-11-08. Review status: criteria provided, single submitter. Criteria: Ambry Variant Classification Scheme 2023. Collection method: clinical testing. Allele origin: germline.
Comment: The p.F127C variant (also known as c.380T>G), located in coding exon 1 of the HOXB13 gene, results from a T to G substitution at nucleotide position 380. The phenylalanine at codon 127 is replaced by cysteine, an amino acid with highly dissimilar properties. This amino acid position is highly conserved in available vertebrate species. In addition, this alteration is predicted to be deleterious by in silico analysis. Based on the available evidence, the clinical significance of this variant remains unclear.

NM_006361.6(HOXB13):c.380T>G (p.Phe127Cys)

Gene: HOXB13 (homeobox B13; minus strand). Cytogenetic location: 17q21.32.
Variant type: single nucleotide variant.
Coding change: c.380T>G on transcript NM_006361.6 (MANE Select); coding-DNA position 380, T replaced by G.
Protein change: p.Phe127Cys; replaces phenylalanine 127 with cysteine.
Molecular consequence: missense variant.
Genome position (GRCh38, 1-based): chr17:48,728,214, A>C on the plus strand (T>G on the coding strand, the complement: HOXB13 is on the minus strand). VCF-style: chr17-48728214-A-C. GRCh37 (hg19) VCF-style: chr17-46805576-A-C.
Other names: short protein forms F127C.
Identifiers: ClinVar variation 3526282 (VCV003526282.1).
Genomic context (GRCh38, chr17:48,728,214, plus strand): 5'-GACACGTCCAGGTAACTGGCCATAGGCTGGTAGGTTCCCGGATATCCCGGATAGAAGGCA[A>C]ACTCAGTGGGGCGGCTGGGGTACTCTTCCCCGGCCGTGGGAGTCTCCGCGGGGTACGCGG-3'
Protein context (NP_006352.2, residues 117-137): GEEYPSRPTE[Phe127Cys]AFYPGYPGTY